The following is an entry in ClinVar:

ClinVar aggregate classification (germline): Uncertain significance (1 of 4 stars; one submission).

Conditions:
Methylcobalamin deficiency type cblG (HMAG). Also called: HOMOCYSTINURIA-MEGALOBLASTIC ANEMIA DUE TO DEFECT IN COBALAMIN METABOLISM, cblG COMPLEMENTATION TYPE; HOMOCYSTINURIA-MEGALOBLASTIC ANEMIA, cblG TYPE; Functional methionine synthase deficiency type cblG; HOMOCYSTINURIA-MEGALOBLASTIC ANEMIA, cblG COMPLEMENTATION TYPE. Identifiers: Orphanet 2170, Orphanet 622, MedGen C1855128, MONDO:0009609, OMIM 250940.

Allele frequency attached by ClinVar (database versions not stated): gnomAD exomes below 0.00001.
gnomAD v4.1: 2 of 1,613,070 alleles (0.00012%); highest among the groups gnomAD compares: Non-Finnish European, 0.00017%; no homozygotes.

Submission:

Labcorp Genetics (formerly Invitae), Labcorp
Classification: Uncertain significance for Methylcobalamin deficiency type cblG. Last evaluated: 2022-08-22. Review status: criteria provided, single submitter. Criteria: Invitae Variant Classification Sherloc (09022015). Collection method: clinical testing. Allele origin: germline.
Comment: This sequence change falls in intron 16 of the MTR gene. It does not directly change the encoded amino acid sequence of the MTR protein. It affects a nucleotide within the consensus splice site. This variant is not present in population databases (gnomAD no frequency). This variant has not been reported in the literature in individuals affected with MTR-related conditions. Variants that disrupt the consensus splice site are a relatively common cause of aberrant splicing (PMID: 17576681, 9536098). Algorithms developed to predict the effect of sequence changes on RNA splicing suggest that this variant may create or strengthen a splice site. In summary, the available evidence is currently insufficient to determine the role of this variant in disease. Therefore, it has been classified as a Variant of Uncertain Significance.

Literature cited by the submitters: PubMed 17576681; PubMed 9536098.

NM_000254.3(MTR):c.1695+6T>C

Gene: MTR (5-methyltetrahydrofolate-homocysteine methyltransferase; plus strand). Cytogenetic location: 1q43.
Variant type: single nucleotide variant.
Coding change: c.1695+6T>C on transcript NM_000254.3 (MANE Select); 6 bases into the intron after coding-DNA position 1695, T replaced by C.
Molecular consequence: intron variant.
Genome position (GRCh38, 1-based): chr1:236,850,529, T>C. VCF-style: chr1-236850529-T-C. GRCh37 (hg19) VCF-style: chr1-237013829-T-C.
Other names: c.1695+6T>C (NM_001291939.1); c.474+6T>C (NM_001291940.2).
Identifiers: ClinVar variation 2095500 (VCV002095500.1), dbSNP rs1323769172, ClinGen allele CA2580062368.
Genomic context (GRCh38, chr1:236,850,529, plus strand): 5'-GGAGGAACACAACTTGTATGCCATTAATTTTATCCATGCAACAAAAGTCATTAAAGTAAG[T>C]GTAGGCATGTTCTCTCCCAAGTCATGGCTCAAATTTGTCCCATGGGTCTAATGAATGGTT-3'